The following is an entry in ClinVar:

ClinVar aggregate classification (germline): Uncertain significance (1 of 4 stars; one submission).

Conditions:
Inborn genetic diseases. Identifiers: MedGen C0950123, MeSH D030342.

Submission:

Ambry Genetics
Classification: Uncertain significance for Inborn genetic diseases. Last evaluated: 2025-10-29. Review status: criteria provided, single submitter. Criteria: Ambry Variant Classification Scheme 2023. Collection method: clinical testing. Allele origin: germline.
Comment: The c.928_930delAAG (p.K310del) alteration is located in exon 9 (coding exon 9) of the EIF4A2 gene. This alteration consists of an in-frame deletion of 3 nucleotides between nucleotide positions c.928 and c.930, resulting in the deletion of 1 residue. This variant was not reported in population-based cohorts in the Genome Aggregation Database (gnomAD). This nucleotide positions are well conserved in available vertebrate species. This alteration is predicted to be deleterious by in silico analysis (Choi, 2012). Based on insufficient or conflicting evidence, the clinical significance of this alteration remains unclear.

NM_001967.4(EIF4A2):c.928_930del (p.Lys310del)

Gene: EIF4A2 (eukaryotic translation initiation factor 4A2; plus strand). Cytogenetic location: 3q27.3.
Variant type: Deletion.
Coding change: c.928_930del on transcript NM_001967.4 (MANE Select); coding-DNA positions 928 to 930, 3 bases deleted (AAG; older notation c.928_930delAAG).
Protein change: p.Lys310del; deletes lysine 310.
Molecular consequence: inframe deletion.
Genome position (GRCh38, 1-based): chr3:186,787,513-186,787,515, AAG deleted; deleting any 3 consecutive bases within chr3:186,787,511-186,787,515 gives the same sequence; the c. name uses the placement nearest the transcript's 3' end. VCF-style (leftmost placement, unchanged base first): chr3-186787510-CAGA-C. GRCh37 (hg19) VCF-style: chr3-186505299-CAGA-C.
Other names: short protein forms K310del.
Identifiers: ClinVar variation 4618369 (VCV004618369.1).